The following is an entry in ClinVar:

NM_001009999.3(KDM1A):c.694T>C (p.Phe232Leu)

Gene: KDM1A (lysine demethylase 1A; plus strand). Cytogenetic location: 1p36.12.
Variant type: single nucleotide variant.
Coding change: c.694T>C on transcript NM_001009999.3 (MANE Select); coding-DNA position 694, T replaced by C.
Protein change: p.Phe232Leu; replaces phenylalanine 232 with leucine.
Molecular consequence: missense variant.
Genome position (GRCh38, 1-based): chr1:23,050,503, T>C. VCF-style: chr1-23050503-T-C. GRCh37 (hg19) VCF-style: chr1-23376996-T-C.
Other names: c.634T>C, p.Phe212Leu (NM_001363654.2, NM_001410763.1, NM_015013.4); c.694T>C, p.Phe232Leu (NM_001410762.1); c.694T>C (NM_001009999.2); short protein forms F212L, F232L.
Identifiers: ClinVar variation 3664170 (VCV003664170.3).
Genomic context (GRCh38, chr1:23,050,503, plus strand): 5'-GAAGCAGCCTGTTTTCCAGATATTATCAGTGGACCACAACAGACCCAGAAGGTTTTTCTT[T>C]TCATTAGAAACCGCACAGTAAGTTTCCATTTCAGCTTTTTCACCTGGATTATAAAAAGTA-3'
Protein context (NP_001009999.1, residues 222-242): GPQQTQKVFL[Phe232Leu]IRNRTLQLWL

ClinVar aggregate classification (germline): Uncertain significance. Review status: criteria provided, multiple submitters, no conflicts (2 of 4 stars). 2 submissions from 2 submitters: Uncertain significance (2). Last evaluated 2026-05-17.

Conditions:
Inborn genetic diseases. Identifiers: MedGen C0950123, MeSH D030342.

Submissions (2):

Ambry Genetics
Classification: Uncertain significance for Inborn genetic diseases. Last evaluated: 2026-05-17. Review status: criteria provided, single submitter. Criteria: Ambry Variant Classification Scheme 2023. Collection method: clinical testing. Allele origin: germline.
Comment: The p.F232L variant (also known as c.694T>C), located in coding exon 4 of the KDM1A gene, results from a T to C substitution at nucleotide position 694. The phenylalanine at codon 232 is replaced by leucine, an amino acid with highly similar properties. This amino acid position is conserved. In addition, this alteration is predicted to be tolerated by in silico analysis. Based on the available evidence, the clinical significance of this variant remains unclear.

Labcorp Genetics (formerly Invitae), Labcorp
Classification: Uncertain significance. Last evaluated: 2024-09-02. Review status: criteria provided, single submitter. Criteria: Invitae Variant Classification Sherloc (09022015). Collection method: clinical testing. Allele origin: germline.
Comment: This sequence change replaces phenylalanine, which is neutral and non-polar, with leucine, which is neutral and non-polar, at codon 232 of the KDM1A protein (p.Phe232Leu). This variant is not present in population databases (gnomAD no frequency). This variant has not been reported in the literature in individuals affected with KDM1A-related conditions. Invitae Evidence Modeling of protein sequence and biophysical properties (such as structural, functional, and spatial information, amino acid conservation, physicochemical variation, residue mobility, and thermodynamic stability) indicates that this missense variant is not expected to disrupt KDM1A protein function with a negative predictive value of 80%. In summary, the available evidence is currently insufficient to determine the role of this variant in disease. Therefore, it has been classified as a Variant of Uncertain Significance.